The following is an entry in ClinVar:

ClinVar aggregate classification (germline): Conflicting classifications of pathogenicity. Review status: criteria provided, conflicting classifications (1 of 4 stars). 2 submissions from 2 submitters: Likely pathogenic (1); Uncertain significance (1). Last evaluated 2025-12-18.

Conditions:
Martsolf syndrome 1. Identifiers: Orphanet 1387, MedGen C5542298, MONDO:8000008, OMIM 212720.

Submissions (2):

Greenwood Genetic Center Diagnostic Laboratories, Greenwood Genetic Center
Classification: Uncertain significance. Last evaluated: 2025-12-18. Review status: criteria provided, single submitter. Criteria: ACMG Guidelines, 2015. Collection method: clinical testing. Allele origin: germline. Affected: yes.
Comment: Gene of Uncertain Significance

Reproductive Endocrine Unit, Massachusetts General Hospital
Classification: Likely pathogenic for Martsolf syndrome 1. Last evaluated: 2022-04-01. Review status: criteria provided, single submitter. Criteria: ACMG Guidelines, 2015. Collection method: research. Allele origin: unknown. Affected: yes.

NM_004491.5(ARHGAP35):c.3850C>T (p.Arg1284Trp)

Gene: ARHGAP35 (Rho GTPase activating protein 35; plus strand). Cytogenetic location: 19q13.32.
Variant type: single nucleotide variant.
Coding change: c.3850C>T on transcript NM_004491.5 (MANE Select); coding-DNA position 3850, C replaced by T.
Protein change: p.Arg1284Trp; replaces arginine 1284 with tryptophan.
Molecular consequence: missense variant.
Genome position (GRCh38, 1-based): chr19:46,988,012, C>T. VCF-style: chr19-46988012-C-T. GRCh37 (hg19) VCF-style: chr19-47491269-C-T.
Other names: short protein forms R1284W.
Identifiers: ClinVar variation 1679925 (VCV001679925.2), dbSNP rs2122336841, ClinGen allele CA406501236.
Genomic context (GRCh38, chr19:46,988,012, plus strand): 5'-AGTTCCTGCTCCTAAGACCCTGCCTGTTTCTCCTCAGGACTGAGCACGGAAGGCATCTAC[C>T]GGGTCAGCGGGAACAAGTCTGAGATGGAGAGTCTGCAGAGACAGTTTGATCAAGGTAAAG-3'
Protein context (NP_004482.4, residues 1274-1294): ATGLSTEGIY[Arg1284Trp]VSGNKSEMES